The following is an entry in ClinVar:

ClinVar aggregate classification (germline): Uncertain significance (0 of 4 stars; one submission).

Conditions:
CAMTA1-related disorder. Also called: CAMTA1-related condition.

Submission:

PreventionGenetics, part of Exact Sciences
Classification: Uncertain significance for CAMTA1-related condition. Last evaluated: 2024-03-26. Review status: no assertion criteria provided. Collection method: clinical testing. Allele origin: germline.
Comment: The CAMTA1 c.2521A>C variant is predicted to result in the amino acid substitution p.Ser841Arg. To our knowledge, this variant has not been reported in the literature. This variant is reported in 0.0033% of alleles in individuals of Latino descent in gnomAD. At this time, the clinical significance of this variant is uncertain due to the absence of conclusive functional and genetic evidence.

NM_015215.4(CAMTA1):c.2521A>C (p.Ser841Arg)

Gene: CAMTA1 (calmodulin binding transcription activator 1; plus strand). Cytogenetic location: 1p36.23.
Variant type: single nucleotide variant.
Coding change: c.2521A>C on transcript NM_015215.4 (MANE Select); coding-DNA position 2521, A replaced by C.
Protein change: p.Ser841Arg; replaces serine 841 with arginine.
Molecular consequence: missense variant.
Genome position (GRCh38, 1-based): chr1:7,665,068, A>C. VCF-style: chr1-7665068-A-C. GRCh37 (hg19) VCF-style: chr1-7725128-A-C.
Other names: c.2431A>C, p.Ser811Arg (NM_001349608.2, NM_001349612.2); c.2521A>C, p.Ser841Arg (NM_001349609.2, NM_001349610.2, NM_001410737.1); c.2449A>C, p.Ser817Arg (NM_001410738.1); short protein forms S811R, S817R, S841R.
Identifiers: ClinVar variation 3350220 (VCV003350220.1).